The following is an entry in ClinVar:

NM_001271.4(CHD2):c.2402C>A (p.Thr801Lys)

Gene: CHD2 (chromodomain helicase DNA binding protein 2; plus strand). Cytogenetic location: 15q26.1.
Variant type: single nucleotide variant.
Coding change: c.2402C>A on transcript NM_001271.4 (MANE Select); coding-DNA position 2402, C replaced by A.
Protein change: p.Thr801Lys; replaces threonine 801 with lysine.
Molecular consequence: missense variant.
Genome position (GRCh38, 1-based): chr15:92,972,314, C>A. VCF-style: chr15-92972314-C-A. GRCh37 (hg19) VCF-style: chr15-93515544-C-A.
Other names: short protein forms T801K.
Identifiers: ClinVar variation 1043100 (VCV001043100.9), dbSNP rs372801085, ClinGen allele CA7747976.

ClinVar aggregate classification (germline): Uncertain significance (1 of 4 stars; one submission).

Conditions:
Developmental and epileptic encephalopathy 94 (DEE94). Also called: CHD2-Related Neurodevelopmental Disorders; Epileptic encephalopathy, childhood-onset. Identifiers: Orphanet 1942, Orphanet 2382, MedGen C3809278, MONDO:0014150, OMIM 615369.

Allele frequency attached by ClinVar (database versions not stated): TOPMed 0.00001.
gnomAD v4.1: 2 of 1,612,638 alleles (0.00012%); highest among the groups gnomAD compares: Non-Finnish European, 0.00017%; no homozygotes.

Submission:

Labcorp Genetics (formerly Invitae), Labcorp
Classification: Uncertain significance for Developmental and epileptic encephalopathy 94. Last evaluated: 2025-06-14. Review status: criteria provided, single submitter. Criteria: Invitae Variant Classification Sherloc (09022015). Collection method: clinical testing. Allele origin: germline.
Comment: This sequence change replaces threonine, which is neutral and polar, with lysine, which is basic and polar, at codon 801 of the CHD2 protein (p.Thr801Lys). This variant is present in population databases (rs372801085, gnomAD 0.003%). This variant has not been reported in the literature in individuals affected with CHD2-related conditions. ClinVar contains an entry for this variant (Variation ID: 1043100). Invitae Evidence Modeling of protein sequence and biophysical properties (such as structural, functional, and spatial information, amino acid conservation, physicochemical variation, residue mobility, and thermodynamic stability) indicates that this missense variant is not expected to disrupt CHD2 protein function with a negative predictive value of 95%. In summary, the available evidence is currently insufficient to determine the role of this variant in disease. Therefore, it has been classified as a Variant of Uncertain Significance.